The following is an entry in ClinVar:

NM_017849.4(TMEM127):c.89G>A (p.Ser30Asn)

Genes: TMEM127 (transmembrane protein 127; minus strand), LOC129934333 (ATAC-STARR-seq lymphoblastoid silent region 11759; plus strand). Cytogenetic location: 2q11.2.
Variant type: single nucleotide variant.
Coding change: c.89G>A on transcript NM_017849.4 (MANE Select); coding-DNA position 89, G replaced by A.
Protein change: p.Ser30Asn; replaces serine 30 with asparagine.
Molecular consequence: missense variant.
Genome position (GRCh38, 1-based): chr2:96,265,293, C>T on the plus strand (G>A on the coding strand, the complement: TMEM127 is on the minus strand). VCF-style: chr2-96265293-C-T. GRCh37 (hg19) VCF-style: chr2-96931031-C-T.
Other names: c.89G>A, p.Ser30Asn (NM_001193304.3); short protein forms S30N.
Identifiers: ClinVar variation 1986141 (VCV001986141.5), dbSNP rs2104308085, ClinGen allele CA347656136.
Genomic context (GRCh38, chr2:96,265,293, plus strand): 5'-TCGGCGAGGGCAGTGCACAGCGCCGTGATAGACAGGGCGCCAGGCAGGGCCGAGGCCAGG[C>T]TACGCTCCGGCTGCTTGGGCAGAGCGCTGCCTCCCGGGCTCCTCCGCCGGCGCCCGCCGG-3'
Protein context (NP_060319.1, residues 20-40): GSALPKQPER[Ser30Asn]LASALPGALS

ClinVar aggregate classification (germline): Uncertain significance. Review status: criteria provided, multiple submitters, no conflicts (2 of 4 stars). 2 submissions from 2 submitters: Uncertain significance (2). Last evaluated 2026-07-07.

Conditions:
Hereditary cancer-predisposing syndrome. Also called: Hereditary neoplastic syndrome; Neoplastic Syndromes, Hereditary; Tumor predisposition; Hereditary Cancer Syndrome. Identifiers: Orphanet 140162, MedGen C0027672, MeSH D009386, MONDO:0015356.
Hereditary pheochromocytoma and paraganglioma. Also called: Hereditary Paraganglioma-Pheochromocytoma Syndromes; Hereditary paragangliomas and pheochromocytomas; Hereditary pheochromocytoma-paraganglioma. Identifiers: Orphanet 29072, MedGen C4274332, MONDO:0017366.

Submissions (2):

Ambry Genetics
Classification: Uncertain significance for Hereditary cancer-predisposing syndrome. Last evaluated: 2026-07-07. Review status: criteria provided, single submitter. Criteria: Ambry Variant Classification Scheme 2023. Collection method: clinical testing. Allele origin: germline.
Comment: The p.S30N variant (also known as c.89G>A), located in coding exon 1 of the TMEM127 gene, results from a G to A substitution at nucleotide position 89. The serine at codon 30 is replaced by asparagine, an amino acid with highly similar properties. This amino acid position is conserved. In addition, this alteration is predicted to be tolerated by in silico analysis. Based on the available evidence, the clinical significance of this variant remains unclear.

Labcorp Genetics (formerly Invitae), Labcorp
Classification: Uncertain significance for Hereditary pheochromocytoma and paraganglioma. Last evaluated: 2022-01-11. Review status: criteria provided, single submitter. Criteria: Invitae Variant Classification Sherloc (09022015). Collection method: clinical testing. Allele origin: germline.
Comment: This variant is not present in population databases (gnomAD no frequency). This sequence change replaces serine, which is neutral and polar, with asparagine, which is neutral and polar, at codon 30 of the TMEM127 protein (p.Ser30Asn). This variant has not been reported in the literature in individuals affected with TMEM127-related conditions. In summary, the available evidence is currently insufficient to determine the role of this variant in disease. Therefore, it has been classified as a Variant of Uncertain Significance. Algorithms developed to predict the effect of missense changes on protein structure and function are either unavailable or do not agree on the potential impact of this missense change (SIFT: "Deleterious"; PolyPhen-2: "Benign"; Align-GVGD: "Class C0").